The following is an entry in ClinVar:

NM_007118.4(TRIO):c.6942del (p.Ser2315fs)

Gene: TRIO (trio Rho guanine nucleotide exchange factor; plus strand). Cytogenetic location: 5p15.2.
Variant type: Deletion.
Coding change: c.6942del on transcript NM_007118.4 (MANE Select); coding-DNA position 6942, one base deleted (C; older notation c.6942delC).
Protein change: p.Ser2315fs; shifts the reading frame from serine 2315.
Molecular consequence: frameshift variant. On other transcripts: non-coding transcript variant (1).
Genome position (GRCh38, 1-based): chr5:14,487,570, C deleted; the last of 5 consecutive C bases (chr5:14,487,566-14,487,570); deleting any one gives the same sequence. VCF-style (leftmost placement, unchanged base first): chr5-14487565-GC-G. GRCh37 (hg19) VCF-style: chr5-14487674-GC-G.
Other names: short protein forms S2315fs.
Identifiers: ClinVar variation 3391495 (VCV003391495.1).

ClinVar aggregate classification (germline): Pathogenic (1 of 4 stars; one submission).

Submission:

GeneDx
Classification: Pathogenic. Last evaluated: 2024-06-21. Review status: criteria provided, single submitter. Criteria: GeneDx Variant Classification Process June 2021. Collection method: clinical testing. Allele origin: germline. Affected: yes.
Comment: Frameshift variant predicted to result in protein truncation or nonsense mediated decay in a gene for which loss of function is a known mechanism of disease; Not observed at significant frequency in large population cohorts (gnomAD); Has not been previously published as pathogenic or benign to our knowledge